The following is an entry in ClinVar:

NM_001042492.3(NF1):c.2092C>G (p.Pro698Ala)

Gene: NF1 (neurofibromin 1; plus strand). Cytogenetic location: 17q11.2.
Variant type: single nucleotide variant.
Coding change: c.2092C>G on transcript NM_001042492.3 (MANE Select); coding-DNA position 2092, C replaced by G.
Protein change: p.Pro698Ala; replaces proline 698 with alanine.
Molecular consequence: missense variant.
Genome position (GRCh38, 1-based): chr17:31,226,525, C>G. VCF-style: chr17-31226525-C-G. GRCh37 (hg19) VCF-style: chr17-29553543-C-G.
Other names: c.2092C>G, p.Pro698Ala (NM_000267.4); short protein forms P698A.
Identifiers: ClinVar variation 856055 (VCV000856055.6), dbSNP rs1182909595, ClinGen allele CA398982240.
Genomic context (GRCh38, chr17:31,226,525, plus strand): 5'-CCGATTTGCCGACAAGCCCAGACCAAACTAGAAGTGGCCCTGTACATGTTTCTGTGGAAC[C>G]CTGACACTGAAGCTGTTCTGGTTGCCATGTCCTGTTTCCGCCACCTCTGTGAGGAAGCAG-3'
Protein context (NP_001035957.1, residues 688-708): EVALYMFLWN[Pro698Ala]DTEAVLVAMS

ClinVar aggregate classification (germline): Uncertain significance (1 of 4 stars; one submission).

Conditions:
Neurofibromatosis, type 1 (NF1). Also called: Neurofibromatosis, type I; VON RECKLINGHAUSEN DISEASE; Peripheral type neurofibromatosis; NEUROFIBROMATOSIS, TYPE I, SOMATIC. Identifiers: Orphanet 636, MedGen C0027831, MONDO:0018975, OMIM 162200. Disease mechanism: loss of function.

Submission:

Labcorp Genetics (formerly Invitae), Labcorp
Classification: Uncertain significance for Neurofibromatosis, type 1. Last evaluated: 2025-01-29. Review status: criteria provided, single submitter. Criteria: Invitae Variant Classification Sherloc (09022015). Collection method: clinical testing. Allele origin: germline.
Comment: This sequence change replaces proline, which is neutral and non-polar, with alanine, which is neutral and non-polar, at codon 698 of the NF1 protein (p.Pro698Ala). This variant is not present in population databases (gnomAD no frequency). This variant has not been reported in the literature in individuals affected with NF1-related conditions. ClinVar contains an entry for this variant (Variation ID: 856055). Invitae Evidence Modeling of protein sequence and biophysical properties (such as structural, functional, and spatial information, amino acid conservation, physicochemical variation, residue mobility, and thermodynamic stability) has been performed for this missense variant. However, the output from this modeling did not meet the statistical confidence thresholds required to predict the impact of this variant on NF1 protein function. In summary, the available evidence is currently insufficient to determine the role of this variant in disease. Therefore, it has been classified as a Variant of Uncertain Significance.